The following is an entry in ClinVar:

NM_032043.3(BRIP1):c.518G>A (p.Arg173His)

Gene: BRIP1 (BRCA1 interacting DNA helicase 1; minus strand). Cytogenetic location: 17q23.2.
Variant type: single nucleotide variant.
Coding change: c.518G>A on transcript NM_032043.3 (MANE Select); coding-DNA position 518, G replaced by A.
Protein change: p.Arg173His; replaces arginine 173 with histidine.
Molecular consequence: missense variant.
Genome position (GRCh38, 1-based): chr17:61,847,210, C>T on the plus strand (G>A on the coding strand, the complement: BRIP1 is on the minus strand). VCF-style: chr17-61847210-C-T. GRCh37 (hg19) VCF-style: chr17-59924571-C-T.
Other names: short protein forms R173H.
Identifiers: ClinVar variation 186661 (VCV000186661.29), dbSNP rs761432927, ClinGen allele CA195486.

ClinVar aggregate classification (germline): Uncertain significance. Review status: criteria provided, multiple submitters, no conflicts (2 of 4 stars). 8 submissions from 8 submitters: Uncertain significance (8). Last evaluated 2025-11-03.

Conditions:
Familial ovarian cancer. Identifiers: MedGen C5679802, MONDO:0016248.
Breast and/or ovarian cancer. Identifiers: MedGen CN221562.
Hereditary cancer-predisposing syndrome. Also called: Tumor predisposition; Neoplastic Syndromes, Hereditary; Hereditary neoplastic syndrome; Hereditary Cancer Syndrome. Identifiers: Orphanet 140162, MedGen C0027672, MeSH D009386, MONDO:0015356.
Fanconi anemia complementation group J. Also called: BRIP1-Related Fanconi Anemia. Identifiers: Orphanet 84, MedGen C1836860, MONDO:0012187, OMIM 609054.
Familial cancer of breast. Also called: BREAST CANCER, FAMILIAL; hereditary breast carcinoma; Hereditary breast cancer. Identifiers: Orphanet 227535, MedGen C0346153, MONDO:0016419, OMIM 114480. Disease mechanism: loss of function.

Allele frequency attached by ClinVar (database versions not stated): ExAC 0.00002; gnomAD 0.00002; gnomAD exomes 0.00002; TOPMed 0.00002.
gnomAD v4.1: 10 of 1,613,592 alleles (0.00062%); highest among the groups gnomAD compares: East Asian, 0.0045%; no homozygotes.

Submissions (8):

Labcorp Genetics (formerly Invitae), Labcorp
Classification: Uncertain significance for Familial cancer of breast; Fanconi anemia complementation group J. Last evaluated: 2025-11-03. Review status: criteria provided, single submitter. Criteria: Invitae Variant Classification Sherloc (09022015). Collection method: clinical testing. Allele origin: germline.
Comment: This sequence change replaces arginine, which is basic and polar, with histidine, which is basic and polar, at codon 173 of the BRIP1 protein (p.Arg173His). This variant is present in population databases (rs761432927, gnomAD 0.01%). This variant has not been reported in the literature in individuals affected with BRIP1-related conditions. ClinVar contains an entry for this variant (Variation ID: 186661). Invitae Evidence Modeling of protein sequence and biophysical properties (such as structural, functional, and spatial information, amino acid conservation, physicochemical variation, residue mobility, and thermodynamic stability) has been performed for this missense variant. However, the output from this modeling did not meet the statistical confidence thresholds required to predict the impact of this variant on BRIP1 protein function. In summary, the available evidence is currently insufficient to determine the role of this variant in disease. Therefore, it has been classified as a Variant of Uncertain Significance.

Ambry Genetics
Classification: Uncertain significance for Hereditary cancer-predisposing syndrome. Last evaluated: 2025-10-15. Review status: criteria provided, single submitter. Criteria: Ambry Variant Classification Scheme 2023. Collection method: clinical testing. Allele origin: germline.
Comment: The p.R173H variant (also known as c.518G>A), located in coding exon 5 of the BRIP1 gene, results from a G to A substitution at nucleotide position 518. The arginine at codon 173 is replaced by histidine, an amino acid with highly similar properties. In one study, this alteration was observed in 0/706 cases with ovarian cancer, 0/6,341 cases with breast cancer and in 1/36,687 controls (Weber-Lassalle N et al. Breast Cancer Res. 2018 Jan;20(1):7). This amino acid position is highly conserved in available vertebrate species. In addition, the in silico prediction for this alteration is inconclusive. Based on the available evidence, the clinical significance of this variant remains unclear.

Molecular Pathology, Peter Maccallum Cancer Centre
Classification: Uncertain significance for Familial ovarian cancer. Last evaluated: 2025-04-23. Review status: criteria provided, single submitter. Criteria: ACMG Guidelines, 2015. Collection method: clinical testing. Allele origin: germline. Inheritance: Autosomal dominant inheritance.

Color Diagnostics, LLC DBA Color Health
Classification: Uncertain significance for Hereditary cancer-predisposing syndrome. Last evaluated: 2024-03-06. Review status: criteria provided, single submitter. Criteria: ACMG Guidelines, 2015. Collection method: clinical testing. Allele origin: germline.
Comment: This missense variant replaces arginine with histidine at codon 173 of the BRIP1 protein. Computational prediction suggests that this variant may not impact protein structure and function (internally defined REVEL score threshold <= 0.5, PMID: 27666373). To our knowledge, functional studies have not been reported for this variant. This variant has not been reported in individuals affected with hereditary cancer in the literature. This variant has been identified in 6/251316 chromosomes in the general population by the Genome Aggregation Database (gnomAD). The available evidence is insufficient to determine the role of this variant in disease conclusively. Therefore, this variant is classified as a Variant of Uncertain Significance.

Baylor Genetics
Classification: Uncertain significance for Familial cancer of breast. Last evaluated: 2024-01-23. Review status: criteria provided, single submitter. Criteria: ACMG Guidelines, 2015. Collection method: clinical testing. Allele origin: unknown.

Blueprint Genetics
Classification: Uncertain significance. Last evaluated: 2023-09-12. Review status: criteria provided, single submitter. Criteria: ACMG Guidelines, 2015. Collection method: clinical testing. Allele origin: germline.

CHEO Genetics Diagnostic Laboratory, Children's Hospital of Eastern Ontario
Classification: Uncertain significance for Breast and/or ovarian cancer. Last evaluated: 2020-11-05. Review status: criteria provided, single submitter. Criteria: ACMG Guidelines, 2015. Collection method: clinical testing. Allele origin: germline.

Mendelics
Classification: Uncertain significance for Fanconi anemia, complementation group J. Last evaluated: 2018-07-02. Review status: criteria provided, single submitter. Criteria: Mendelics Assertion Criteria 2017. Collection method: clinical testing. Allele origin: unknown.